The following is an entry in ClinVar:

NM_006164.5(NFE2L2):c.537T>C (p.Gly179=)

Gene: NFE2L2 (NFE2 like bZIP transcription factor 2; minus strand). Cytogenetic location: 2q31.2.
Variant type: single nucleotide variant.
Coding change: c.537T>C on transcript NM_006164.5 (MANE Select); coding-DNA position 537, T replaced by C.
Protein change: p.Gly179=; no amino-acid change (glycine 179 retained).
Molecular consequence: synonymous variant.
Genome position (GRCh38, 1-based): chr2:177,232,449, A>G on the plus strand (T>C on the coding strand, the complement: NFE2L2 is on the minus strand). VCF-style: chr2-177232449-A-G. GRCh37 (hg19) VCF-style: chr2-178097177-A-G.
Other names: c.489T>C, p.Gly163= (NM_001145412.3, NM_001313900.1, NM_001313901.1); c.468T>C, p.Gly156= (NM_001145413.3); c.447T>C, p.Gly149= (NM_001313902.2); c.318T>C, p.Gly106= (NM_001313903.2); c.237T>C, p.Gly79= (NM_001313904.1); c.537T>C (NM_006164.4).
Identifiers: ClinVar variation 1633070 (VCV001633070.10), dbSNP rs367859411, ClinGen allele CA1979846.

ClinVar aggregate classification (germline): Likely benign. Review status: criteria provided, multiple submitters, no conflicts (2 of 4 stars). 3 submissions from 3 submitters: Likely benign (2). 1 of the submissions does not count toward it. Last evaluated 2025-12-17.

Conditions:
NFE2L2-related disorder. Also called: NFE2L2-related condition.

Allele frequency attached by ClinVar (database versions not stated): gnomAD exomes 0.00005; ExAC 0.00008; 1000 Genomes Project 30x 0.00016; 1000 Genomes Project 0.00020; ESP Exome Variant Server 0.00025; gnomAD 0.00031 and 0.00033; TOPMed 0.00039.
gnomAD v4.1: 125 of 1,614,168 alleles (0.0077%); highest among the groups gnomAD compares: African/African-American, 0.11%; 1 homozygote.

Submissions (3):

Labcorp Genetics (formerly Invitae), Labcorp
Classification: Likely benign. Last evaluated: 2025-12-17. Review status: criteria provided, single submitter. Criteria: Invitae Variant Classification Sherloc (09022015). Collection method: clinical testing. Allele origin: germline.

Breakthrough Genomics
Classification: Likely benign. Review status: criteria provided, single submitter. Criteria: ACMG Guidelines, 2015. Collection method: not provided. Allele origin: germline. Inheritance: Autosomal dominant inheritance. Affected: yes.

PreventionGenetics, part of Exact Sciences
Classification: Likely benign for NFE2L2-related condition. Last evaluated: 2024-09-17. Review status: no assertion criteria provided. Collection method: clinical testing. Allele origin: germline. Not counted in ClinVar's aggregate classification.
Comment: This variant is classified as likely benign based on ACMG/AMP sequence variant interpretation guidelines (Richards et al. 2015 PMID: 25741868, with internal and published modifications).